The following is an entry in ClinVar:

ClinVar aggregate classification (germline): Pathogenic (1 of 4 stars; one submission).

Submission:

Labcorp Genetics (formerly Invitae), Labcorp
Classification: Pathogenic. Last evaluated: 2018-12-06. Review status: criteria provided, single submitter. Criteria: Invitae Variant Classification Sherloc (09022015). Collection method: clinical testing. Allele origin: germline.
Comment: This sequence change creates a premature translational stop signal (p.Tyr2*) in the FH gene. It is expected to result in an absent or disrupted protein product. This variant is not present in population databases (ExAC no frequency). This variant has not been reported in the literature in individuals with FH-related conditions. For these reasons, this variant has been classified as Pathogenic for autosomal recessive fumarate hydratase deficiency. However, this variant is not likely to confer risk for autosomal dominant hereditary leiomyomatosis and renal cell cancer. The mature human fumarate hydratase (FH) protein is localized in the mitochondrial matrix, where it plays an essential role in cell respiration as part of the tricarboxylic acid (TCA) cycle. The FH protein is also found in the cytosolic compartment, where it functions as a tumor suppressor (PMID: 21929734). Within the first exon of the FH gene there are two in-frame initiator methionines, Met1 and Met44, with the mitochondrial targeting sequence (MTS) lying between these two translational start sites. Experimental studies have shown that the two FH protein echoforms arise from separate mRNA transcripts derived by alternative transcriptional initiation, which are translated and localized to either the mitochondria or cytosol based on initiation from Met1 or Met44, respectively (PMID: 27037871). This variant likely disrupts the MTS and therefore the mitochondrial-localized FH protein, while not altering the cytosol-localized protein, thereby preserving the tumor suppressor function of FH.

Literature cited by the submitters: PubMed 21929734; PubMed 27037871.

NM_000143.4(FH):c.5dup (p.Tyr2Ter)

Gene: FH (fumarate hydratase; minus strand). Cytogenetic location: 1q43.
Variant type: Duplication.
Coding change: c.5dup on transcript NM_000143.4 (MANE Select); coding-DNA position 5, one base duplicated (A; older notation c.5dupA).
Protein change: p.Tyr2Ter; replaces tyrosine 2 with a stop codon.
Molecular consequence: nonsense.
Genome position (GRCh38, 1-based): chr1:241,519,718, T duplicated on the plus strand (A on the coding strand, the reverse complement: FH is on the minus strand). VCF-style (leftmost placement, unchanged base first): chr1-241519717-G-GT. GRCh37 (hg19) VCF-style: chr1-241683017-G-GT.
Other names: c.5dupA (NM_000143.3); short protein forms Y2*.
Identifiers: ClinVar variation 643704 (VCV000643704.9), dbSNP rs1573890070, ClinGen allele CA915942118.